The following is an entry in ClinVar:

ClinVar aggregate classification (germline): Uncertain significance (1 of 4 stars; one submission).

gnomAD v4.1: 1 of 1,601,804 alleles (0.000062%); highest among the groups gnomAD compares: Non-Finnish European, 0.000085%; no homozygotes.

Submission:

Labcorp Genetics (formerly Invitae), Labcorp
Classification: Uncertain significance. Last evaluated: 2023-11-27. Review status: criteria provided, single submitter. Criteria: Invitae Variant Classification Sherloc (09022015). Collection method: clinical testing. Allele origin: germline.
Comment: This sequence change falls in intron 4 of the HMOX1 gene. It does not directly change the encoded amino acid sequence of the HMOX1 protein. It affects a nucleotide within the consensus splice site. This variant is not present in population databases (gnomAD no frequency). This variant has not been reported in the literature in individuals affected with HMOX1-related conditions. ClinVar contains an entry for this variant (Variation ID: 1960334). Variants that disrupt the consensus splice site are a relatively common cause of aberrant splicing (PMID: 17576681, 9536098). Algorithms developed to predict the effect of sequence changes on RNA splicing suggest that this variant is not likely to affect RNA splicing. In summary, the available evidence is currently insufficient to determine the role of this variant in disease. Therefore, it has been classified as a Variant of Uncertain Significance.

Literature cited by the submitters: PubMed 17576681; PubMed 9536098.

NM_002133.3(HMOX1):c.736+5G>A

Gene: HMOX1 (heme oxygenase 1; plus strand). Cytogenetic location: 22q12.3.
Variant type: single nucleotide variant.
Coding change: c.736+5G>A on transcript NM_002133.3 (MANE Select); 5 bases into the intron after coding-DNA position 736, G replaced by A.
Molecular consequence: intron variant.
Genome position (GRCh38, 1-based): chr22:35,389,968, G>A. VCF-style: chr22-35389968-G-A. GRCh37 (hg19) VCF-style: chr22-35785961-G-A.
Identifiers: ClinVar variation 1960334 (VCV001960334.5), dbSNP rs2517867726, ClinGen allele CA2580099719.
Genomic context (GRCh38, chr22:35,389,968, plus strand): 5'-CCAGAGCCCCTCACGGGCACCAGGGCTTCGCCAGCGGGCCAGCAACAAAGTGCAAGGTGA[G>A]AGCATCCAGGAAGGGGCACTTCCTCTGGGCTACACATGGAGGGACTTGGCTGTCTGACTG-3'